The following is an entry in ClinVar:

ClinVar aggregate classification (germline): Likely pathogenic (1 of 4 stars; one submission).

Conditions:
Neuropathy, hereditary sensory, type 2C. Also called: KIF1A-Related HSAN2 (HSAN2C); Hereditary sensory and autonomic neuropathy type IIC. Identifiers: Orphanet 970, MedGen C3280168, MONDO:0013634, OMIM 614213.
Intellectual disability, autosomal dominant 9 (NESCAVS). Also called: NESCAV SYNDROME; KIF1A-Related Neurodevelopmental Disorder. Identifiers: Orphanet 662367, MedGen C5393830, MONDO:0013656, OMIM 614255.
Hereditary spastic paraplegia 30. Identifiers: Orphanet 101010, MedGen C5235139, MONDO:0012476.

Submission:

Labcorp Genetics (formerly Invitae), Labcorp
Classification: Likely pathogenic for Hereditary spastic paraplegia 30; Neuropathy, hereditary sensory, type 2C; Intellectual disability, autosomal dominant 9. Last evaluated: 2018-01-13. Review status: criteria provided, single submitter. Criteria: Invitae Variant Classification Sherloc (09022015). Collection method: clinical testing. Allele origin: germline.
Comment: In summary, the currently available evidence indicates that the variant is pathogenic, but additional data are needed to prove that conclusively. Therefore, this variant has been classified as Likely Pathogenic. Donor and acceptor splice site variants typically lead to a loss of protein function (PMID: 16199547), and loss-of-function variants in KIF1A are known to be pathogenic (PMID: 21820098). This variant has not been reported in the literature in individuals with KIF1A-related disease. This variant is not present in population databases (ExAC no frequency). This sequence change affects an acceptor splice site in intron 5 of the KIF1A gene. It is expected to disrupt RNA splicing and likely results in an absent or disrupted protein product.

Literature cited by the submitters: PubMed 16199547; PubMed 21820098.

NM_001244008.2(KIF1A):c.609-1G>A

Gene: KIF1A (kinesin family member 1A; minus strand). Cytogenetic location: 2q37.3.
Variant type: single nucleotide variant.
Coding change: c.609-1G>A on transcript NM_001244008.2 (MANE Select); the canonical splice acceptor site of the intron before coding-DNA position 609, G replaced by A.
Molecular consequence: splice acceptor variant.
Genome position (GRCh38, 1-based): chr2:240,785,101, C>T on the plus strand (G>A on the coding strand, the complement: KIF1A is on the minus strand). VCF-style: chr2-240785101-C-T. GRCh37 (hg19) VCF-style: chr2-241724518-C-T.
Other names: c.609-1G>A (NM_001379653.1, NM_001379650.1, NM_001379645.1 and 20 more transcripts).
Identifiers: ClinVar variation 574529 (VCV000574529.7), dbSNP rs1559527796, ClinGen allele CA351305061.